The following is an entry in ClinVar:

ClinVar aggregate classification (germline): Uncertain significance. Review status: criteria provided, multiple submitters, no conflicts (2 of 4 stars). 2 submissions from 2 submitters: Uncertain significance (2). Last evaluated 2025-01-24.

Conditions:
Inborn genetic diseases. Identifiers: MedGen C0950123, MeSH D030342.
Muscle AMP deaminase deficiency (MMDD). Also called: Myoadenylate deaminase deficiency, myopathy due to; Adenosine monophosphate deaminase 1 deficiency; AMP deaminase 1 deficiency; Adenosine Monophosphate Deaminase 1; AMPD1 DEFICIENCY; ADENOSINE MONOPHOSPHATE DEAMINASE-1 DEFICIENCY, MYOPATHY DUE TO. Identifiers: Orphanet 45, MedGen C3714933, MONDO:0014220, OMIM 615511.

Allele frequency attached by ClinVar (database versions not stated): TOPMed below 0.00001; gnomAD 0.00002; ExAC 0.00003; gnomAD exomes 0.00003.
gnomAD v4.1: 48 of 1,614,014 alleles (0.003%); highest among the groups gnomAD compares: East Asian, 0.11%; no homozygotes.

Submissions (2):

Ambry Genetics
Classification: Uncertain significance for Inborn genetic diseases. Last evaluated: 2025-01-24. Review status: criteria provided, single submitter. Criteria: Ambry Variant Classification Scheme 2023. Collection method: clinical testing. Allele origin: germline.

Labcorp Genetics (formerly Invitae), Labcorp
Classification: Uncertain significance for Muscle AMP deaminase deficiency. Last evaluated: 2023-08-17. Review status: criteria provided, single submitter. Criteria: Invitae Variant Classification Sherloc (09022015). Collection method: clinical testing. Allele origin: germline.
Comment: ClinVar contains an entry for this variant (Variation ID: 1922178). This variant has not been reported in the literature in individuals affected with AMPD1-related conditions. This variant is present in population databases (rs764072157, gnomAD 0.05%). This sequence change replaces histidine, which is basic and polar, with tyrosine, which is neutral and polar, at codon 507 of the AMPD1 protein (p.His507Tyr). In summary, the available evidence is currently insufficient to determine the role of this variant in disease. Therefore, it has been classified as a Variant of Uncertain Significance. An algorithm developed to predict the effect of missense changes on protein structure and function (PolyPhen-2) suggests that this variant is likely to be disruptive.

NM_000036.3(AMPD1):c.1420C>T (p.His474Tyr)

Gene: AMPD1 (adenosine monophosphate deaminase 1; minus strand). Cytogenetic location: 1p13.2.
Variant type: single nucleotide variant.
Coding change: c.1420C>T on transcript NM_000036.3 (MANE Select); coding-DNA position 1420, C replaced by T.
Protein change: p.His474Tyr; replaces histidine 474 with tyrosine.
Molecular consequence: missense variant.
Genome position (GRCh38, 1-based): chr1:114,675,972, G>A on the plus strand (C>T on the coding strand, the complement: AMPD1 is on the minus strand). VCF-style: chr1-114675972-G-A. GRCh37 (hg19) VCF-style: chr1-115218593-G-A.
Other names: c.1408C>T, p.His470Tyr (NM_001172626.2); c.1519C>T (NM_000036.2); short protein forms H474Y, H470Y.
Identifiers: ClinVar variation 1922178 (VCV001922178.6), dbSNP rs764072157, ClinGen allele CA1020115.
Genomic context (GRCh38, chr1:114,675,972, plus strand): 5'-GGGGGTTGATGGTGGCCTCAAACACTGGCATGAAAATATTCTCCAGCATTTTTCCAAAAT[G>A]TGGAAGGAAATTCTTGGAACGGAACACATCACTAGAGGCAAGAATGAAGAGAATTTAGGA-3'
Protein context (NP_000027.3, residues 464-484): DVFRSKNFLP[His474Tyr]FGKMLENIFM